The following is an entry in ClinVar:

ClinVar aggregate classification (germline): Conflicting classifications of pathogenicity. Review status: criteria provided, conflicting classifications (1 of 4 stars). 3 submissions from 3 submitters: Likely pathogenic (1); Uncertain significance (2). Last evaluated 2024-12-12.

Conditions:
Hypertrophic cardiomyopathy. Also called: HYPERTROPHIC MYOCARDIOPATHY. Identifiers: Orphanet 217569, MedGen C0007194, MeSH D002312, MONDO:0005045, HP:0001639.

Submissions (3):

GeneDx
Classification: Uncertain significance. Last evaluated: 2024-12-12. Review status: criteria provided, single submitter. Criteria: GeneDx Variant Classification Process June 2021. Collection method: clinical testing. Allele origin: germline. Affected: yes.
Comment: Not observed at significant frequency in large population cohorts (gnomAD); In silico analysis indicates that this missense variant does not alter protein structure/function; Has not been previously published as pathogenic or benign to our knowledge; This variant is associated with the following publications: (PMID: 27532257, 29300372)

ARUP Laboratories, Molecular Genetics and Genomics, ARUP Laboratories
Classification: Uncertain significance. Last evaluated: 2024-10-22. Review status: criteria provided, single submitter. Criteria: ARUP Molecular Germline Variant Investigation Process 2024. Collection method: clinical testing. Allele origin: germline.
Comment: The MYH7 c.1545G>A; p.Met515Ile variant, to our knowledge, is not reported in the medical literature but is reported in ClinVar (Variation ID: 2028449). This variant is also absent from the Genome Aggregation Database (v2.1.1), indicating it is not a common polymorphism. Additionally, other variants at this codon (c.1544T>G, p.Met515Arg; c.1544T>C, p.Met515Thr) have been reported in individuals with cardiomyopathy (Rai 2009, Van Driest 2004). Computational analyses predict that this variant is deleterious (REVEL: 0.832). However, given the lack of clinical and functional data, the significance of this variant is uncertain at this time. References: Rai TS et al. Genotype phenotype correlations of cardiac beta-myosin heavy chain mutations in Indian patients with hypertrophic and dilated cardiomyopathy. Mol Cell Biochem. 2009 Jan;321(1-2):189-96. PMID: 18953637. Van Driest SL et al. Comprehensive analysis of the beta-myosin heavy chain gene in 389 unrelated patients with hypertrophic cardiomyopathy. J Am Coll Cardiol. 2004 Aug 4;44(3):602-10. PMID: 15358028.

Labcorp Genetics (formerly Invitae), Labcorp
Classification: Likely pathogenic for Hypertrophic cardiomyopathy. Last evaluated: 2022-09-28. Review status: criteria provided, single submitter. Criteria: Invitae Variant Classification Sherloc (09022015). Collection method: clinical testing. Allele origin: germline.
Comment: In summary, the currently available evidence indicates that the variant is pathogenic, but additional data are needed to prove that conclusively. Therefore, this variant has been classified as Likely Pathogenic. This variant disrupts the p.Met515 amino acid residue in MYH7. Other variant(s) that disrupt this residue have been determined to be pathogenic (PMID: 15358028; Invitae). This suggests that this residue is clinically significant, and that variants that disrupt this residue are likely to be disease-causing. Advanced modeling of protein sequence and biophysical properties (such as structural, functional, and spatial information, amino acid conservation, physicochemical variation, residue mobility, and thermodynamic stability) performed at Invitae indicates that this missense variant is expected to disrupt MYH7 protein function. This missense change has been observed in individual(s) with clinical features of hypertrophic cardiomyopathy (Invitae). This variant is not present in population databases (gnomAD no frequency). This sequence change replaces methionine, which is neutral and non-polar, with isoleucine, which is neutral and non-polar, at codon 515 of the MYH7 protein (p.Met515Ile).

Literature cited by the submitters: PubMed 15358028 (cited by Labcorp Genetics (formerly Invitae), Labcorp).

NM_000257.4(MYH7):c.1545G>A (p.Met515Ile)

Gene: MYH7 (myosin heavy chain 7; minus strand). Cytogenetic location: 14q11.2.
Variant type: single nucleotide variant.
Coding change: c.1545G>A on transcript NM_000257.4 (MANE Select); coding-DNA position 1545, G replaced by A.
Protein change: p.Met515Ile; replaces methionine 515 with isoleucine.
Molecular consequence: missense variant.
Genome position (GRCh38, 1-based): chr14:23,428,533, C>T on the plus strand (G>A on the coding strand, the complement: MYH7 is on the minus strand). VCF-style: chr14-23428533-C-T. GRCh37 (hg19) VCF-style: chr14-23897742-C-T.
Other names: c.1545G>A, p.Met515Ile (NM_001407004.1); short protein forms M515I.
Identifiers: ClinVar variation 2028449 (VCV002028449.6), dbSNP rs2502299901, ClinGen allele CA389050358.